The following is an entry in ClinVar:

NM_182961.4(SYNE1):c.17373C>A (p.Tyr5791Ter)

Genes: SYNE1 (spectrin repeat containing nuclear envelope protein 1; minus strand), LOC129997480 (ATAC-STARR-seq lymphoblastoid active region 25287; plus strand). Cytogenetic location: 6q25.2.
Variant type: single nucleotide variant.
Coding change: c.17373C>A on transcript NM_182961.4 (MANE Select); coding-DNA position 17373, C replaced by A.
Protein change: p.Tyr5791Ter; replaces tyrosine 5791 with a stop codon.
Molecular consequence: nonsense.
Genome position (GRCh38, 1-based): chr6:152,302,037, G>T on the plus strand (C>A on the coding strand, the complement: SYNE1 is on the minus strand). VCF-style: chr6-152302037-G-T. GRCh37 (hg19) VCF-style: chr6-152623172-G-T.
Other names: c.17160C>A, p.Tyr5720Ter (NM_033071.5); short protein forms Y5720*, Y5791*.
Identifiers: ClinVar variation 2118590 (VCV002118590.4), dbSNP rs2552083259, ClinGen allele CA366103931.

ClinVar aggregate classification (germline): Pathogenic (1 of 4 stars; one submission).

Conditions:
Emery-Dreifuss muscular dystrophy 4, autosomal dominant (EDMD4). Also called: EMERY-DREIFUSS MUSCULAR DYSTROPHY 4 WITH VARIABLE FEATURES. Identifiers: Orphanet 261, MedGen C2751807, MONDO:0013071, OMIM 612998.
Autosomal recessive ataxia, Beauce type. Also called: SYNE1 Deficiency; Spinocerebellar ataxia, autosomal recessive 8; ATAXIA, RECESSIVE, OF BEAUCE; SYNE1-Related Autosomal Recessive Cerebellar Ataxia. Identifiers: Orphanet 88644, MedGen C1853116, MONDO:0012549, OMIM 610743.

Submission:

Labcorp Genetics (formerly Invitae), Labcorp
Classification: Pathogenic for Emery-Dreifuss muscular dystrophy 4, autosomal dominant; Autosomal recessive ataxia, Beauce type. Last evaluated: 2022-08-31. Review status: criteria provided, single submitter. Criteria: Invitae Variant Classification Sherloc (09022015). Collection method: clinical testing. Allele origin: germline.
Comment: This sequence change creates a premature translational stop signal (p.Tyr5720*) in the SYNE1 gene. It is expected to result in an absent or disrupted protein product. Loss-of-function variants in SYNE1 are known to be pathogenic (PMID: 19542096, 24319099, 27086870). For these reasons, this variant has been classified as Pathogenic. This variant has not been reported in the literature in individuals affected with SYNE1-related conditions. This variant is not present in population databases (gnomAD no frequency).

Literature cited by the submitters: PubMed 19542096; PubMed 24319099; PubMed 27086870.